The following is an entry in ClinVar:

ClinVar aggregate classification (germline): Likely pathogenic (1 of 4 stars; one submission).

Submission:

GeneDx
Classification: Likely pathogenic. Last evaluated: 2023-08-17. Review status: criteria provided, single submitter. Criteria: GeneDx Variant Classification Process June 2021. Collection method: clinical testing. Allele origin: germline. Affected: yes.
Comment: In silico analysis supports that this missense variant has a deleterious effect on protein structure/function; Not observed at significant frequency in large population cohorts (gnomAD); Has not been previously published as pathogenic or benign to our knowledge

NM_001085458.2(CTNND1):c.1180T>C (p.Cys394Arg)

Genes: CTNND1 (catenin delta 1; plus strand), TMX2-CTNND1 (TMX2-CTNND1 readthrough (NMD candidate); plus strand). Cytogenetic location: 11q12.1.
Variant type: single nucleotide variant.
Coding change: c.1180T>C on transcript NM_001085458.2 (MANE Select); coding-DNA position 1180, T replaced by C.
Protein change: p.Cys394Arg; replaces cysteine 394 with arginine.
Molecular consequence: missense variant. On other transcripts: non-coding transcript variant (1).
Genome position (GRCh38, 1-based): chr11:57,801,956, T>C. VCF-style: chr11-57801956-T-C. GRCh37 (hg19) VCF-style: chr11-57569428-T-C.
Other names: c.1180T>C, p.Cys394Arg (NM_001085459.2, NM_001085460.2, NM_001085461.2 and 3 more transcripts); c.877T>C, p.Cys293Arg (NM_001085463.2, NM_001085464.2, NM_001085465.2 and 5 more transcripts); c.1018T>C, p.Cys340Arg (NM_001206883.2, NM_001206884.2, NM_001206886.2 and 4 more transcripts); short protein forms C293R, C340R, C394R.
Identifiers: ClinVar variation 1306850 (VCV001306850.4), dbSNP rs2137123732, ClinGen allele CA380725873.